The following is an entry in ClinVar:

NM_000400.4(ERCC2):c.740T>C (p.Met247Thr)

Gene: ERCC2 (ERCC excision repair 2, TFIIH core complex helicase subunit; minus strand). Cytogenetic location: 19q13.32.
Variant type: single nucleotide variant.
Coding change: c.740T>C on transcript NM_000400.4 (MANE Select); coding-DNA position 740, T replaced by C.
Protein change: p.Met247Thr; replaces methionine 247 with threonine.
Molecular consequence: missense variant.
Genome position (GRCh38, 1-based): chr19:45,364,310, A>G on the plus strand (T>C on the coding strand, the complement: ERCC2 is on the minus strand). VCF-style: chr19-45364310-A-G. GRCh37 (hg19) VCF-style: chr19-45867568-A-G.
Other names: c.668T>C, p.Met223Thr (NM_001130867.2); short protein forms M247T, M223T.
Identifiers: ClinVar variation 329524 (VCV000329524.8), dbSNP rs372176415, ClinGen allele CA9513645.

ClinVar aggregate classification (germline): Uncertain significance. Review status: criteria provided, multiple submitters, no conflicts (2 of 4 stars). 2 submissions from 2 submitters: Uncertain significance (2). Last evaluated 2025-07-29.

Conditions:
Xeroderma pigmentosum, group D (XPD). Also called: ERCC2-Related Xeroderma Pigmentosum; XERODERMA PIGMENTOSUM, COMPLEMENTATION GROUP D; XERODERMA PIGMENTOSUM IV; XP, GROUP D; XP, GROUP H. Identifiers: MedGen C0268138, MONDO:0010212, OMIM 278730.

Allele frequency attached by ClinVar (database versions not stated): gnomAD exomes 0.00003 and 0.00002; TOPMed 0.00004; gnomAD 0.00005 and 0.00006; ESP Exome Variant Server 0.00008; ExAC 0.00002.
gnomAD v4.1: 56 of 1,613,864 alleles (0.0035%); highest among the groups gnomAD compares: Non-Finnish European, 0.0045%; no homozygotes.

Submissions (2):

Labcorp Genetics (formerly Invitae), Labcorp
Classification: Uncertain significance. Last evaluated: 2025-07-29. Review status: criteria provided, single submitter. Criteria: Invitae Variant Classification Sherloc (09022015). Collection method: clinical testing. Allele origin: germline.
Comment: This sequence change replaces methionine, which is neutral and non-polar, with threonine, which is neutral and polar, at codon 247 of the ERCC2 protein (p.Met247Thr). This variant is present in population databases (rs372176415, gnomAD 0.004%). This variant has not been reported in the literature in individuals affected with ERCC2-related conditions. ClinVar contains an entry for this variant (Variation ID: 329524). Invitae Evidence Modeling of protein sequence and biophysical properties (such as structural, functional, and spatial information, amino acid conservation, physicochemical variation, residue mobility, and thermodynamic stability) indicates that this missense variant is expected to disrupt ERCC2 protein function with a positive predictive value of 80%. In summary, the available evidence is currently insufficient to determine the role of this variant in disease. Therefore, it has been classified as a Variant of Uncertain Significance.

Illumina Laboratory Services, Illumina
Classification: Uncertain significance for Xeroderma pigmentosum, group D. Last evaluated: 2018-01-13. Review status: criteria provided, single submitter. Criteria: ICSL Variant Classification Criteria 13 December 2019. Collection method: clinical testing. Allele origin: germline.